The following is an entry in ClinVar:

ClinVar aggregate classification (germline): Uncertain significance (1 of 4 stars; one submission).

Conditions:
MEGF10-related myopathy (CMYO10A). Also called: Congenital myopathy 10A, severe variant. Identifiers: Orphanet 439212, MedGen C3280679, MONDO:0013731, OMIM 614399.

Allele frequency attached by ClinVar (database versions not stated): gnomAD exomes below 0.00001.
gnomAD v4.1: 6 of 1,614,094 alleles (0.00037%); highest among the groups gnomAD compares: South Asian, 0.0033%; no homozygotes.

Submission:

Labcorp Genetics (formerly Invitae), Labcorp
Classification: Uncertain significance for MEGF10-related myopathy. Last evaluated: 2022-11-15. Review status: criteria provided, single submitter. Criteria: Invitae Variant Classification Sherloc (09022015). Collection method: clinical testing. Allele origin: germline.
Comment: This variant has not been reported in the literature in individuals affected with MEGF10-related conditions. This variant is present in population databases (no rsID available, gnomAD 0.003%). This sequence change replaces tyrosine, which is neutral and polar, with cysteine, which is neutral and slightly polar, at codon 448 of the MEGF10 protein (p.Tyr448Cys). In summary, the available evidence is currently insufficient to determine the role of this variant in disease. Therefore, it has been classified as a Variant of Uncertain Significance. Advanced modeling of protein sequence and biophysical properties (such as structural, functional, and spatial information, amino acid conservation, physicochemical variation, residue mobility, and thermodynamic stability) performed at Invitae indicates that this missense variant is not expected to disrupt MEGF10 protein function. ClinVar contains an entry for this variant (Variation ID: 843490).

NM_001256545.2(MEGF10):c.1343A>G (p.Tyr448Cys)

Gene: MEGF10 (multiple EGF like domains 10; plus strand). Cytogenetic location: 5q23.2.
Variant type: single nucleotide variant.
Coding change: c.1343A>G on transcript NM_001256545.2 (MANE Select); coding-DNA position 1343, A replaced by G.
Protein change: p.Tyr448Cys; replaces tyrosine 448 with cysteine.
Molecular consequence: missense variant.
Genome position (GRCh38, 1-based): chr5:127,419,157, A>G. VCF-style: chr5-127419157-A-G. GRCh37 (hg19) VCF-style: chr5-126754849-A-G.
Other names: c.1343A>G, p.Tyr448Cys (NM_001308119.2, NM_001308121.2, NM_032446.3); short protein forms Y448C.
Identifiers: ClinVar variation 843490 (VCV000843490.10), dbSNP rs1438771856, ClinGen allele CA360729143.